The following is an entry in ClinVar:

ClinVar aggregate classification (germline): Uncertain significance. Review status: criteria provided, multiple submitters, no conflicts (2 of 4 stars). 2 submissions from 2 submitters: Uncertain significance (2). Last evaluated 2024-10-24.

Conditions:
Pseudohypoaldosteronism, type IB1, autosomal recessive. Also called: Pseudohypoaldosteronism, Type I, Autosomal Recessive; Pseudohypoaldosteronism, Type I, Recessive; Autosomal recessive pseudohypoaldosteronism type 1; PHA I, AUTOSOMAL RECESSIVE. Identifiers: Orphanet 171876, Orphanet 756, MedGen C5774176, MONDO:0009917, OMIM 264350.
Liddle syndrome 3. Identifiers: MedGen C4748292, MONDO:0029132, OMIM 618126.
Bronchiectasis with or without elevated sweat chloride 2 (BESC2). Identifiers: Orphanet 60033, MedGen C2751666, MONDO:0013087, OMIM 613021.

Submissions (2):

Labcorp Genetics (formerly Invitae), Labcorp
Classification: Uncertain significance. Last evaluated: 2024-10-24. Review status: criteria provided, single submitter. Criteria: Invitae Variant Classification Sherloc (09022015). Collection method: clinical testing. Allele origin: germline.
Comment: This variant, c.567_568delinsTT, is a complex sequence change that results in the deletion of 2 and insertion of 2 amino acid(s) in the SCNN1A protein (p.Gln189_Arg190delinsHisCys). Information on the frequency of this variant in the gnomAD database is not available, as this variant may be reported differently in the database. This variant has not been reported in the literature in individuals affected with SCNN1A-related conditions. Experimental studies and prediction algorithms are not available or were not evaluated, and the functional significance of this variant is currently unknown. In summary, the available evidence is currently insufficient to determine the role of this variant in disease. Therefore, it has been classified as a Variant of Uncertain Significance.

Fulgent Genetics
Classification: Uncertain significance for Pseudohypoaldosteronism, type IB1, autosomal recessive; Bronchiectasis with or without elevated sweat chloride 2; Liddle syndrome 3. Last evaluated: 2024-04-05. Review status: criteria provided, single submitter. Criteria: ACMG Guidelines, 2015. Collection method: clinical testing. Allele origin: germline.

NM_001038.6(SCNN1A):c.567_568delinsTT (p.Gln189_Arg190delinsHisCys)

Gene: SCNN1A (sodium channel epithelial 1 subunit alpha; minus strand). Cytogenetic location: 12p13.31.
Variant type: Indel.
Coding change: c.567_568delinsTT on transcript NM_001038.6 (MANE Select); coding-DNA positions 567 to 568, GC replaced by TT.
Protein change: p.Gln189_Arg190delinsHisCys.
Molecular consequence: missense variant.
Genome position (GRCh38, 1-based): chr12:6,363,559-6,363,560, GC replaced by AA on the plus strand (GC replaced by TT on the coding strand, the reverse complement: SCNN1A is on the minus strand). VCF-style: chr12-6363559-GC-AA. GRCh37 (hg19) VCF-style: chr12-6472725-GC-AA.
Other names: c.636_637delinsTT, p.Gln212_Arg213delinsHisCys (NM_001159575.2); c.744_745delinsTT, p.Gln248_Arg249delinsHisCys (NM_001159576.2).
Identifiers: ClinVar variation 2915186 (VCV002915186.4), dbSNP rs2497886527, ClinGen allele CA2739271862.